The following is an entry in ClinVar:

NM_001042492.3(NF1):c.6013G>A (p.Asp2005Asn)

Gene: NF1 (neurofibromin 1; plus strand). Cytogenetic location: 17q11.2.
Variant type: single nucleotide variant.
Coding change: c.6013G>A on transcript NM_001042492.3 (MANE Select); coding-DNA position 6013, G replaced by A.
Protein change: p.Asp2005Asn; replaces aspartic acid 2005 with asparagine.
Molecular consequence: missense variant.
Genome position (GRCh38, 1-based): chr17:31,336,339, G>A. VCF-style: chr17-31336339-G-A. GRCh37 (hg19) VCF-style: chr17-29663357-G-A.
Other names: c.5950G>A, p.Asp1984Asn (NM_000267.4); short protein forms D1984N, D2005N.
Identifiers: ClinVar variation 230677 (VCV000230677.3), dbSNP rs876658702, ClinGen allele CA10580366.
Genomic context (GRCh38, chr17:31,336,339, plus strand): 5'-AAAAATTAAATTGGTAGAGTGATTAAAAACATGTTATTTTCCTTCTTCAACTAGATTACA[G>A]ATCTGCTTGATGTTGTACTAGACAGTTTCATCAAAACCAGTGCAACAGGTGGCTTGGGAT-3'
Protein context (NP_001035957.1, residues 1995-2015): KIWGSLGQIT[Asp2005Asn]LLDVVLDSFI

ClinVar aggregate classification (germline): Uncertain significance (1 of 4 stars; one submission).

Conditions:
Hereditary cancer-predisposing syndrome. Also called: Neoplastic Syndromes, Hereditary; Tumor predisposition; Hereditary Cancer Syndrome; Hereditary neoplastic syndrome. Identifiers: Orphanet 140162, MedGen C0027672, MeSH D009386, MONDO:0015356.

Submission:

Ambry Genetics
Classification: Uncertain significance for Hereditary cancer-predisposing syndrome. Last evaluated: 2015-03-03. Review status: criteria provided, single submitter. Criteria: Ambry Autosomal Dominant and X-Linked criteria (10/2015). Collection method: clinical testing. Allele origin: germline. Observed: 1 variant allele.
Comment: The p.D2005N variant (also known as c.6013G>A), located in coding exon 41 of the NF1 gene, results from a G to A substitution at nucleotide position 6013. The aspartic acid at codon 2005 is replaced by asparagine, an amino acid with highly similar properties. This variant was not reported in population based cohorts in the following databases: Database of Single Nucleotide Polymorphisms (dbSNP), NHLBI Exome Sequencing Project (ESP), and 1000 Genomes Project. In the ESP, this variant was not observed in 6503 samples (13006 alleles) with coverage at this position. To date, this alteration has been detected with an allele frequency of approximately 0.003% (greater than 30000 alleles tested) in our clinical cohort. This amino acid position is highly conserved in available vertebrate species. In addition, this alteration is predicted to be possibly damaging and deleterious by PolyPhen and SIFT in silico analyses, respectively. Since supporting evidence is limited at this time, the clinical significance of p.D2005N remains unclear.